The following is an entry in ClinVar:

NM_005267.5(GJA8):c.1027G>A (p.Glu343Lys)

Gene: GJA8 (gap junction protein alpha 8; plus strand). Cytogenetic location: 1q21.2.
Variant type: single nucleotide variant.
Coding change: c.1027G>A on transcript NM_005267.5 (MANE Select); coding-DNA position 1027, G replaced by A.
Protein change: p.Glu343Lys; replaces glutamic acid 343 with lysine.
Molecular consequence: missense variant.
Genome position (GRCh38, 1-based): chr1:147,908,982, G>A. VCF-style: chr1-147908982-G-A. GRCh37 (hg19) VCF-style: chr1-147381109-G-A.
Other names: short protein forms E343K.
Identifiers: ClinVar variation 874251 (VCV000874251.4), dbSNP rs782817804, ClinGen allele CA1066063.
Genomic context (GRCh38, chr1:147,908,982, plus strand): 5'-TACGCTCAGGTGGGGGCACAAGAAGTGGAGGGCGAGGGGCCGCCTGCAGAGGAGGGAGCC[G>A]AACCCGAGGTGGGAGAGAAGAAGGAGGAAGCAGAGAGGCTGACCACGGAGGAGCAGGAGA-3'
Protein context (NP_005258.2, residues 333-353): GEGPPAEEGA[Glu343Lys]PEVGEKKEEA

ClinVar aggregate classification (germline): Likely benign (1 of 4 stars; one submission).

Conditions:
Cataract 1 multiple types. Also called: CATARACT, DUFFY-LINKED; CATARACT 1, POSTERIOR SUBCAPSULAR, WITH MICROCORNEA; CATARACT 1, STELLATE NUCLEAR, WITH MICROCORNEA; CATARACT 1, NUCLEAR PROGRESSIVE; CATARACT 1 WITH MICROCORNEA; CATARACT 1, MULTIPLE TYPES, WITH OR WITHOUT MICROCORNEA. Identifiers: Orphanet 1377, MedGen C1861828, MONDO:0007285, OMIM 116200.

Allele frequency attached by ClinVar (database versions not stated): gnomAD 0.00001; ExAC 0.00002; TOPMed 0.00002; gnomAD exomes 0.00003 and 0.00008.
gnomAD v4.1: 115 of 1,596,588 alleles (0.0072%); highest among the groups gnomAD compares: Non-Finnish European, 0.0093%; no homozygotes.

Submission:

Illumina Laboratory Services, Illumina
Classification: Likely benign for Cataract 1 multiple types. Last evaluated: 2018-01-13. Review status: criteria provided, single submitter. Criteria: ICSL Variant Classification Criteria 13 December 2019. Collection method: clinical testing. Allele origin: germline.
Comment: This variant was observed in the ICSL laboratory as part of a predisposition screen in an ostensibly healthy population. It had not been previously curated by ICSL or reported in the Human Gene Mutation Database (HGMD: prior to June 1st, 2018), and was therefore a candidate for classification through an automated scoring system. Utilizing variant allele frequency, disease prevalence and penetrance estimates, and inheritance mode, an automated score was calculated to assess if this variant is too frequent to cause the disease. Based on the score and internal cut-off values, a variant classified as likely benign is not then subjected to further curation. The score for this variant resulted in a classification of likely benign for this disease.